The following is an entry in ClinVar:

NM_000038.6(APC):c.1349T>C (p.Val450Ala)

Gene: APC (APC regulator of Wnt signaling pathway; plus strand). Cytogenetic location: 5q22.2.
Variant type: single nucleotide variant.
Coding change: c.1349T>C on transcript NM_000038.6 (MANE Select); coding-DNA position 1349, T replaced by C.
Protein change: p.Val450Ala; replaces valine 450 with alanine.
Molecular consequence: missense variant.
Genome position (GRCh38, 1-based): chr5:112,821,932, T>C. VCF-style: chr5-112821932-T-C. GRCh37 (hg19) VCF-style: chr5-112157629-T-C.
Other names: c.1349T>C, p.Val450Ala (NM_001127510.3, NM_001354895.2, NM_001354896.2); c.1295T>C, p.Val432Ala (NM_001127511.3); c.1379T>C, p.Val460Ala (NM_001354897.2); c.1274T>C, p.Val425Ala (NM_001354898.2); c.1265T>C, p.Val422Ala (NM_001354899.2); c.1172T>C, p.Val391Ala (NM_001354900.2, NM_001354901.2); c.1076T>C, p.Val359Ala (NM_001354902.2); c.1046T>C, p.Val349Ala (NM_001354903.2); and 3 more; short protein forms V359A, V432A, V422A, V450A, V290A, V324A, V391A, V460A.
Identifiers: ClinVar variation 961490 (VCV000961490.1), dbSNP rs764175850, ClinGen allele CA16024258.
Genomic context (GRCh38, chr5:112,821,932, plus strand): 5'-GTTTATGTTGATTTTATTTTTCAGTGCCAGCTCCTGTTGAACATCAGATCTGTCCTGCTG[T>C]GTGTGTTCTAATGAAACTTTCATTTGATGAAGAGCATAGACATGCAATGAATGAACTAGG-3'
Protein context (NP_000029.2, residues 440-460): APVEHQICPA[Val450Ala]CVLMKLSFDE

ClinVar aggregate classification (germline): Uncertain significance (1 of 4 stars; one submission).

Conditions:
Familial adenomatous polyposis 1 (FAP1). Also called: FAMILIAL ADENOMATOUS POLYPOSIS 1, ATTENUATED; POLYPOSIS, ADENOMATOUS INTESTINAL. Identifiers: MedGen C2713442, MONDO:0021056, OMIM 175100. Disease mechanism: loss of function.

Submission:

Labcorp Genetics (formerly Invitae), Labcorp
Classification: Uncertain significance for Familial adenomatous polyposis 1. Last evaluated: 2019-08-20. Review status: criteria provided, single submitter. Criteria: Invitae Variant Classification Sherloc (09022015). Collection method: clinical testing. Allele origin: germline.
Comment: This sequence change replaces valine with alanine at codon 450 of the APC protein (p.Val450Ala). The valine residue is highly conserved and there is a small physicochemical difference between valine and alanine. This variant is not present in population databases (ExAC no frequency). This variant has not been reported in the literature in individuals with APC-related conditions. Algorithms developed to predict the effect of missense changes on protein structure and function are either unavailable or do not agree on the potential impact of this missense change (SIFT: "Deleterious"; PolyPhen-2: "Possibly Damaging"; Align-GVGD: "Class C0"). In summary, the available evidence is currently insufficient to determine the role of this variant in disease. Therefore, it has been classified as a Variant of Uncertain Significance.